The following is an entry in ClinVar:

ClinVar aggregate classification (germline): Pathogenic (1 of 4 stars; one submission).

Conditions:
Inborn genetic diseases. Identifiers: MedGen C0950123, MeSH D030342.

Submission:

Ambry Genetics
Classification: Pathogenic for Inborn genetic diseases. Last evaluated: 2025-03-18. Review status: criteria provided, single submitter. Criteria: Ambry Variant Classification Scheme 2023. Collection method: clinical testing. Allele origin: germline.
Comment: The c.2546_2550dupACACG (p.V851Tfs*44) alteration, located in exon 21 (coding exon 21) of the SHANK3 gene, consists of a duplication of ACACG at position 2546, causing a translational frameshift with a predicted alternate stop codon after 44 amino acids. This alteration is expected to result in loss of function by premature protein truncation or nonsense-mediated mRNA decay. This variant was not reported in population-based cohorts in the Genome Aggregation Database (gnomAD). Based on the available evidence, this alteration is classified as pathogenic.

NM_001372044.2(SHANK3):c.2771_2775dup (p.Val926fs)

Gene: SHANK3 (SH3 and multiple ankyrin repeat domains 3; plus strand). Cytogenetic location: 22q13.33.
Variant type: Duplication.
Coding change: c.2771_2775dup on transcript NM_001372044.2 (MANE Select); coding-DNA positions 2771 to 2775, 5 bases duplicated (ACACG; older notation c.2771_2775dupACACG).
Protein change: p.Val926fs; shifts the reading frame from valine 926.
Molecular consequence: frameshift variant.
Genome position (GRCh38, 1-based): chr22:50,720,379-50,720,383, ACACG duplicated; duplicating any 5 consecutive bases within chr22:50,720,376-50,720,383 gives the same sequence; the c. name uses the placement nearest the transcript's 3' end. VCF-style (leftmost placement, unchanged base first): chr22-50720375-T-TACGAC. GRCh37 (hg19) VCF-style: chr22-51158803-T-TACGAC.
Other names: c.2546_2550dupACACG (NM_033517.1); short protein forms V926fs.
Identifiers: ClinVar variation 3953940 (VCV003953940.1).